The following is an entry in ClinVar:

ClinVar aggregate classification (germline): Uncertain significance. Review status: criteria provided, multiple submitters, no conflicts (2 of 4 stars). 3 submissions from 3 submitters: Uncertain significance (3). Last evaluated 2026-01-26.

Conditions:
Hereditary cancer-predisposing syndrome. Also called: Neoplastic Syndromes, Hereditary; Hereditary Cancer Syndrome; Hereditary neoplastic syndrome; Tumor predisposition. Identifiers: Orphanet 140162, MedGen C0027672, MeSH D009386, MONDO:0015356.

Allele frequency attached by ClinVar (database versions not stated): gnomAD exomes below 0.00001; ExAC 0.00001.

Submissions (3):

Labcorp Genetics (formerly Invitae), Labcorp
Classification: Uncertain significance. Last evaluated: 2026-01-26. Review status: criteria provided, single submitter. Criteria: Invitae Variant Classification Sherloc (09022015). Collection method: clinical testing. Allele origin: germline.
Comment: This sequence change replaces glutamic acid, which is acidic and polar, with glycine, which is neutral and non-polar, at codon 1173 of the POLE protein (p.Glu1173Gly). This variant is present in population databases (rs762150108, gnomAD 0.0009%). This variant has not been reported in the literature in individuals affected with POLE-related conditions. ClinVar contains an entry for this variant (Variation ID: 540659). Invitae Evidence Modeling of protein sequence and biophysical properties (such as structural, functional, and spatial information, amino acid conservation, physicochemical variation, residue mobility, and thermodynamic stability) indicates that this missense variant is not expected to disrupt POLE protein function with a negative predictive value of 80%. In summary, the available evidence is currently insufficient to determine the role of this variant in disease. Therefore, it has been classified as a Variant of Uncertain Significance.

Ambry Genetics
Classification: Uncertain significance for Hereditary cancer-predisposing syndrome. Last evaluated: 2025-02-04. Review status: criteria provided, single submitter. Criteria: Ambry Variant Classification Scheme 2023. Collection method: clinical testing. Allele origin: germline.
Comment: The p.E1173G variant (also known as c.3518A>G), located in coding exon 29 of the POLE gene, results from an A to G substitution at nucleotide position 3518. The glutamic acid at codon 1173 is replaced by glycine, an amino acid with similar properties. This amino acid position is highly conserved in available vertebrate species. In addition, the in silico prediction for this alteration is inconclusive. Based on the available evidence, the clinical significance of this variant remains unclear.

GeneDx
Classification: Uncertain significance. Last evaluated: 2022-07-07. Review status: criteria provided, single submitter. Criteria: GeneDx Variant Classification Process June 2021. Collection method: clinical testing. Allele origin: germline. Affected: yes.
Comment: Not observed at significant frequency in large population cohorts (gnomAD); In silico analysis supports that this missense variant has a deleterious effect on protein structure/function; Has not been previously published as pathogenic or benign to our knowledge

NM_006231.4(POLE):c.3518A>G (p.Glu1173Gly)

Gene: POLE (DNA polymerase epsilon, catalytic subunit; minus strand). Cytogenetic location: 12q24.33.
Variant type: single nucleotide variant.
Coding change: c.3518A>G on transcript NM_006231.4 (MANE Select); coding-DNA position 3518, A replaced by G.
Protein change: p.Glu1173Gly; replaces glutamic acid 1173 with glycine.
Molecular consequence: missense variant.
Genome position (GRCh38, 1-based): chr12:132,657,200, T>C on the plus strand (A>G on the coding strand, the complement: POLE is on the minus strand). VCF-style: chr12-132657200-T-C. GRCh37 (hg19) VCF-style: chr12-133233786-T-C.
Other names: short protein forms E1173G.
Identifiers: ClinVar variation 540659 (VCV000540659.12), dbSNP rs762150108, ClinGen allele CA6893195.